The following is an entry in ClinVar:

ClinVar aggregate classification (germline): Uncertain significance. Review status: criteria provided, multiple submitters, no conflicts (2 of 4 stars). 2 submissions from 2 submitters: Uncertain significance (2). Last evaluated 2025-01-22.

Conditions:
Hermansky-Pudlak syndrome 2 (HPS2). Also called: Platelet defects and oculocutaneous albinism. Identifiers: Orphanet 183678, Orphanet 79430, MedGen C1842362, MONDO:0011997, OMIM 608233.
Inborn genetic diseases. Identifiers: MedGen C0950123, MeSH D030342.

Submissions (2):

Ambry Genetics
Classification: Uncertain significance for Inborn genetic diseases. Last evaluated: 2025-01-22. Review status: criteria provided, single submitter. Criteria: Ambry Variant Classification Scheme 2023. Collection method: clinical testing. Allele origin: germline.

Labcorp Genetics (formerly Invitae), Labcorp
Classification: Uncertain significance for Hermansky-Pudlak syndrome 2. Last evaluated: 2022-10-28. Review status: criteria provided, single submitter. Criteria: Invitae Variant Classification Sherloc (09022015). Collection method: clinical testing. Allele origin: germline.
Comment: This variant is not present in population databases (gnomAD no frequency). In summary, the available evidence is currently insufficient to determine the role of this variant in disease. Therefore, it has been classified as a Variant of Uncertain Significance. Algorithms developed to predict the effect of sequence changes on RNA splicing suggest that this variant may create or strengthen a splice site. Algorithms developed to predict the effect of missense changes on protein structure and function (SIFT, PolyPhen-2, Align-GVGD) all suggest that this variant is likely to be tolerated. ClinVar contains an entry for this variant (Variation ID: 961328). This variant has not been reported in the literature in individuals affected with AP3B1-related conditions. This sequence change replaces asparagine, which is neutral and polar, with serine, which is neutral and polar, at codon 825 of the AP3B1 protein (p.Asn825Ser).

NM_003664.5(AP3B1):c.2474A>G (p.Asn825Ser)

Gene: AP3B1 (adaptor related protein complex 3 subunit beta 1; minus strand). Cytogenetic location: 5q14.1.
Variant type: single nucleotide variant.
Coding change: c.2474A>G on transcript NM_003664.5 (MANE Select); coding-DNA position 2474, A replaced by G.
Protein change: p.Asn825Ser; replaces asparagine 825 with serine.
Molecular consequence: missense variant.
Genome position (GRCh38, 1-based): chr5:78,089,496, T>C on the plus strand (A>G on the coding strand, the complement: AP3B1 is on the minus strand). VCF-style: chr5-78089496-T-C. GRCh37 (hg19) VCF-style: chr5-77385320-T-C.
Other names: c.2327A>G, p.Asn776Ser (NM_001271769.2); c.2474A>G (NM_003664.3); short protein forms N825S, N776S.
Identifiers: ClinVar variation 961328 (VCV000961328.10), dbSNP rs1580331287, ClinGen allele CA360333203.
Genomic context (GRCh38, chr5:78,089,496, plus strand): 5'-TCAGCCATCAAACTTGGAGAAAGAGCTGGTGTGGGAAGTGCAACTGGAGTGGATACTGGG[T>C]TAACTGTAAGAAAAGGCCCAAATTAGTAAATGTGCATGAACGTTTAATTCAAATTATTAA-3'
Protein context (NP_003655.3, residues 815-835): DVSLLDLDDF[Asn825Ser]PVSTPVALPT